The following continues an entry in ClinVar:

NM_007294.4(BRCA1):c.5503C>T (p.Arg1835Ter)

Gene: BRCA1. ClinVar aggregate classification (germline): Pathogenic. Pathogenic (1).

Submissions 58 to 60 of 60:

Department of Pathology and Laboratory Medicine, Sinai Health System
Classification: Pathogenic for Malignant tumor of breast. Review status: no assertion criteria provided. Collection method: clinical testing. Allele origin: unknown. Affected: yes. Study: The Canadian Open Genetics Repository (COGR). Not counted in ClinVar's aggregate classification.
Comment: The p.Arg1835X variant is reported in the literature in 12/7062 proband chromosomes of individuals with breast and ovarian cancer (Bellacosa 2010, Borg 2010, Dizin 2006, Evans 2003, Ferla 2007, Frank 1998, Magnard 2002, Ramus 2007, Rashid 2006, Spurdle 2008); it was not found in any of the 484 control chromosomes. It is listed in dbSNP database as coming from a "clinical source" (ID#: rs#:41293465) but no frequency information was provided, and is therefore, not very informative for assessing the population frequency. The alteration leads to a premature stop codon at position 1835 which is predicted to lead to a truncated or absent protein and loss of function, which is an established disease mechanism for the BRCA1 gene in hereditary breast and ovarian cancer. The variant is reported in the BIC database (x66) and UMD database (x20) as a variant of clinical significance. In addition, two functional studies using the yeast two-hybrid screen and glutathione-S-transferase (GST) pull-down assay, determined that the variant abolished interaction of BRCA1 with two proteins: Acetyl Coenzyme A (CoA) Carboxylase and PABP (Dizin 2006, Magnard 2002). In summary, based on the above information, this variant is classified as pathogenic.

Diagnostic Laboratory, Department of Genetics, University Medical Center Groningen
Classification: Pathogenic for Breast-ovarian cancer, familial, susceptibility to, 1. Review status: no assertion criteria provided. Collection method: clinical testing. Allele origin: germline. Affected: yes. Study: VKGL Data-share Consensus. Not counted in ClinVar's aggregate classification.

Joint Genome Diagnostic Labs from Nijmegen and Maastricht, Radboudumc and MUMC+
Classification: Pathogenic. Review status: no assertion criteria provided. Collection method: clinical testing. Allele origin: germline. Affected: yes. Study: VKGL Data-share Consensus. Not counted in ClinVar's aggregate classification.

Literature cited by the submitters: PubMed 8554067 (cited by 10 submitters); PubMed 10486320 (cited by Labcorp Genetics (formerly Invitae), Labcorp); PubMed 11802209 (cited by 3 submitters); PubMed 16683254 (cited by 4 submitters); PubMed 19949876 (cited by Labcorp Genetics (formerly Invitae), Labcorp); PubMed 23704984 (cited by Labcorp Genetics (formerly Invitae), Labcorp); PubMed 27553291 (cited by 7 submitters); PubMed 11739404 (cited by 3 submitters); PubMed 12400015 (cited by Labcorp Genetics (formerly Invitae), Labcorp); PubMed 21922593 (cited by Labcorp Genetics (formerly Invitae), Labcorp); PubMed 30209399 (cited by 7 submitters); PubMed 35377489 (cited by Center for Genomic Medicine, Rigshospitalet, Copenhagen University Hospital and Mayo Clinic Laboratories, Mayo Clinic); PubMed 9760198 (cited by 3 submitters); PubMed 10505028 (cited by Color Diagnostics, LLC DBA Color Health and All of Us Research Program, National Institutes of Health); PubMed 11260866 (cited by Color Diagnostics, LLC DBA Color Health and All of Us Research Program, National Institutes of Health); PubMed 16644204 (cited by 3 submitters); PubMed 20104584 (cited by 4 submitters); PubMed 20727672 (cited by 5 submitters); PubMed 24504028 (cited by 6 submitters); PubMed 24549055 (cited by Color Diagnostics, LLC DBA Color Health and All of Us Research Program, National Institutes of Health); PubMed 25682074 (cited by Color Diagnostics, LLC DBA Color Health and All of Us Research Program, National Institutes of Health); PubMed 26187060 (cited by 3 submitters); PubMed 26541979 (cited by 3 submitters); PubMed 27153395 (cited by Color Diagnostics, LLC DBA Color Health and All of Us Research Program, National Institutes of Health); PubMed 28324225 (cited by 4 submitters); PubMed 28423363 (cited by Color Diagnostics, LLC DBA Color Health and All of Us Research Program, National Institutes of Health); PubMed 28724667 (cited by 5 submitters); PubMed 29339979 (cited by 4 submitters); PubMed 29446198 (cited by 5 submitters); PubMed 29470806 (cited by 3 submitters); PubMed 30287823 (cited by Color Diagnostics, LLC DBA Color Health); PubMed 31209999 (cited by Color Diagnostics, LLC DBA Color Health and All of Us Research Program, National Institutes of Health); PubMed 31853058 (cited by Color Diagnostics, LLC DBA Color Health); PubMed 40413188 (cited by Color Diagnostics, LLC DBA Color Health); PubMed 15026808 (cited by Mayo Clinic Laboratories, Mayo Clinic); PubMed 16998791 (cited by 5 submitters); PubMed 28888541 (cited by Mayo Clinic Laboratories, Mayo Clinic); PubMed 28993434 (cited by Mayo Clinic Laboratories, Mayo Clinic); PubMed 29053726 (cited by Mayo Clinic Laboratories, Mayo Clinic); PubMed 29176636 (cited by Mayo Clinic Laboratories, Mayo Clinic); PubMed 29310832 (cited by Mayo Clinic Laboratories, Mayo Clinic and Ambry Genetics); PubMed 29752822 (cited by Mayo Clinic Laboratories, Mayo Clinic); PubMed 29922827 (cited by Mayo Clinic Laboratories, Mayo Clinic); PubMed 30702160 (cited by Mayo Clinic Laboratories, Mayo Clinic); PubMed 31528241 (cited by Mayo Clinic Laboratories, Mayo Clinic); PubMed 32338768 (cited by Mayo Clinic Laboratories, Mayo Clinic); PubMed 28751443 (cited by Ambry Genetics); PubMed 29021639 (cited by Ambry Genetics and Quest Diagnostics Nichols Institute San Juan Capistrano); PubMed 27257965 (cited by Quest Diagnostics Nichols Institute San Juan Capistrano and Laboratory of Molecular Diagnosis of Cancer, West China Hospital, Sichuan University); PubMed 29280214 (cited by Quest Diagnostics Nichols Institute San Juan Capistrano); PubMed 12360400 (cited by Quest Diagnostics Nichols Institute San Juan Capistrano and Counsyl); PubMed 26295337 (cited by Quest Diagnostics Nichols Institute San Juan Capistrano); PubMed 18465347 (cited by Women's Health and Genetics/Laboratory Corporation of America, LabCorp); PubMed 12393792 (cited by Laboratory for Molecular Medicine, Mass General Brigham Personalized Medicine); PubMed 25085752 (cited by Laboratory for Molecular Medicine, Mass General Brigham Personalized Medicine); PubMed 26028024 (cited by Laboratory for Molecular Medicine, Mass General Brigham Personalized Medicine); PubMed 24249303 (cited by Cancer Genomics Lab, PINUM Cancer Hospital and Counsyl); PubMed 36988593 (cited by Laboratory for Genotyping Development, RIKEN); PubMed 18446624 (cited by Counsyl); PubMed 11920621 (cited by Counsyl); PubMed 17591843 (cited by Counsyl).